The following is an entry in ClinVar:

NM_001386298.1(CIC):c.5302A>G (p.Thr1768Ala)

Gene: CIC (capicua transcriptional repressor; plus strand). Cytogenetic location: 19q13.2.
Variant type: single nucleotide variant.
Coding change: c.5302A>G on transcript NM_001386298.1 (MANE Select); coding-DNA position 5302, A replaced by G.
Protein change: p.Thr1768Ala; replaces threonine 1768 with alanine.
Molecular consequence: missense variant.
Genome position (GRCh38, 1-based): chr19:42,291,343, A>G. VCF-style: chr19-42291343-A-G. GRCh37 (hg19) VCF-style: chr19-42795495-A-G.
Other names: c.5302A>G, p.Thr1768Ala (NM_001304815.2, NM_001379480.1, NM_001379482.1); c.2575A>G, p.Thr859Ala (NM_001379484.1, NM_001379485.1, NM_015125.5); short protein forms T1768A, T859A.
Identifiers: ClinVar variation 1033734 (VCV001033734.2), dbSNP rs779776509, ClinGen allele CA9472287.

ClinVar aggregate classification (germline): Uncertain significance. Review status: criteria provided, multiple submitters, no conflicts (2 of 4 stars). 2 submissions from 2 submitters: Uncertain significance (2). Last evaluated 2025-08-29.

Conditions:
Inborn genetic diseases. Identifiers: MedGen C0950123, MeSH D030342.
Intellectual developmental disorder, autosomal dominant 45. Also called: MENTAL RETARDATION, AUTOSOMAL DOMINANT 45; Intellectual disability, autosomal dominant 45. Identifiers: MedGen C4539848, MONDO:0030910, OMIM 617600.

Allele frequency attached by ClinVar (database versions not stated): TOPMed 0.00001; gnomAD 0.00002.
gnomAD v4.1: 51 of 1,612,560 alleles (0.0032%); highest among the groups gnomAD compares: Non-Finnish European, 0.0042%; no homozygotes.

Submissions (2):

Ambry Genetics
Classification: Uncertain significance for Inborn genetic diseases. Last evaluated: 2025-08-29. Review status: criteria provided, single submitter. Criteria: Ambry Variant Classification Scheme 2023. Collection method: clinical testing. Allele origin: germline.

Baylor Genetics
Classification: Uncertain significance for Intellectual developmental disorder, autosomal dominant 45. Last evaluated: 2018-09-06. Review status: criteria provided, single submitter. Criteria: ACMG Guidelines, 2015. Collection method: clinical testing. Allele origin: maternal. Affected: yes.
Comment: This variant was determined to be of uncertain significance according to ACMG Guidelines, 2015 [PMID:25741868].